The following is an entry in ClinVar:

ClinVar aggregate classification (germline): Likely pathogenic. Review status: criteria provided, single submitter (1 of 4 stars). 2 submissions from 2 submitters: Likely pathogenic (1). 1 of the submissions does not count toward it. Last evaluated 2025-12-17.

Conditions:
Intellectual developmental disorder with cardiac defects and dysmorphic facies (IDDCDF). Identifiers: Orphanet 562569, MedGen C5193024, MONDO:0032672, OMIM 618316.
TMEM94-related disorder. Also called: TMEM94-related condition.

gnomAD v4.1: 22 of 1,613,870 alleles (0.0014%); highest among the groups gnomAD compares: South Asian, 0.0055%; no homozygotes.

Submissions (2):

PreventionGenetics, part of Exact Sciences
Classification: Likely pathogenic for TMEM94-related condition. Last evaluated: 2025-12-17. Review status: criteria provided, single submitter. Criteria: ACMG Guidelines, 2015. Collection method: clinical testing. Allele origin: germline.
Comment: The TMEM94 c.2194A>T variant is predicted to result in premature protein termination (p.Lys732*). To our knowledge, this variant has not been reported in the literature. This variant is reported in 0.0033% of alleles in individuals of South Asian descent in gnomAD. Nonsense variants in TMEM94 are expected to be pathogenic. This variant is interpreted as likely pathogenic.

Human Molecular Genetics Lab, National Institute for Biotechnology and Genetic Engineering College
Classification: Likely pathogenic for Intellectual developmental disorder with cardiac defects and dysmorphic facies. Last evaluated: 2025-10-12. Review status: no assertion criteria provided. Collection method: clinical testing. Allele origin: germline. Inheritance: Autosomal recessive inheritance. Affected: yes. Observed: 1 homozygote. Not counted in ClinVar's aggregate classification.
Comment: This homozygous missense variant, NM_014738.6:c.2194A>T, in TMEM94 gene creates a premature stop codon. In silico prediction tools including MutationTaster, DANN and BayesDel predicted this variant to be deleterious and it has a CADD: 48.0. The clinical presentation of the proband is similar to that of Intellectual developmental disorder with cardiac defects and dysmorphic facies (OMIM#618316).The variant is rare in genomAD (South Asian maf is 0.00005489).The variant is not listed in clinvar. It meets the ACMG criteria PVS1, PM2 and classified as likely pathogenic.

Literature cited by the submitters: PubMed 32825426 (cited by Human Molecular Genetics Lab, National Institute for Biotechnology and Genetic Engineering College).

NM_014738.6(TMEM94):c.2194A>T (p.Lys732Ter)

Gene: TMEM94 (transmembrane protein 94; plus strand). Cytogenetic location: 17q25.1.
Variant type: single nucleotide variant.
Coding change: c.2194A>T on transcript NM_014738.6 (MANE Select); coding-DNA position 2194, A replaced by T.
Protein change: p.Lys732Ter; replaces lysine 732 with a stop codon.
Molecular consequence: nonsense.
Genome position (GRCh38, 1-based): chr17:75,493,703, A>T. VCF-style: chr17-75493703-A-T. GRCh37 (hg19) VCF-style: chr17-73489784-A-T.
Other names: c.2194A>T (NM_014738.5); c.2224A>T, p.Lys742Ter (NM_001321148.2, NM_001351203.2, NM_001438844.1); c.2206A>T, p.Lys736Ter (NM_001321149.2, NM_001438845.1); c.2146A>T, p.Lys716Ter (NM_001351202.2); c.2194A>T, p.Lys732Ter (NM_001438841.1, NM_001438847.1); c.2236A>T, p.Lys746Ter (NM_001438842.1, NM_001438843.1); c.2176A>T, p.Lys726Ter (NM_001438846.1); c.2188A>T, p.Lys730Ter (NM_001438848.1); short protein forms K716*, K726*, K730*, K732*, K736*, K742*, K746*.
Identifiers: ClinVar variation 4279649 (VCV004279649.2).